The following is an entry in ClinVar:

ClinVar aggregate classification (germline): Pathogenic (1 of 4 stars; one submission).

Conditions:
Ehlers-Danlos syndrome, classic type, 1 (EDSCL1). Also called: EHLERS-DANLOS SYNDROME, GRAVIS TYPE; EHLERS-DANLOS SYNDROME, SEVERE CLASSIC TYPE; EDS I; Ehlers-Danlos Syndrome, Classic Type, COL5A1-Related; Ehlers-Danlos syndrome, type 1. Identifiers: MedGen C0268335, MONDO:0019567, OMIM 130000.

Submission:

Labcorp Genetics (formerly Invitae), Labcorp
Classification: Pathogenic for Ehlers-Danlos syndrome, classic type, 1. Last evaluated: 2023-04-11. Review status: criteria provided, single submitter. Criteria: Invitae Variant Classification Sherloc (09022015). Collection method: clinical testing. Allele origin: germline.
Comment: For these reasons, this variant has been classified as Pathogenic. This variant disrupts a region of the COL5A1 protein in which other variant(s) (p.Phe1820Argfs*2) have been determined to be pathogenic (PMID: 23587214). This suggests that this is a clinically significant region of the protein, and that variants that disrupt it are likely to be disease-causing. ClinVar contains an entry for this variant (Variation ID: 969088). This variant has not been reported in the literature in individuals affected with COL5A1-related conditions. This variant is not present in population databases (gnomAD no frequency). This sequence change creates a premature translational stop signal (p.Lys1793Alafs*73) in the COL5A1 gene. While this is not anticipated to result in nonsense mediated decay, it is expected to disrupt the last 46 amino acid(s) of the COL5A1 protein.

Literature cited by the submitters: PubMed 23587214.

NM_000093.5(COL5A1):c.5377_5380del (p.Lys1793fs)

Genes: COL5A1 (collagen type V alpha 1 chain; plus strand), LOC101448202 (uncharacterized LOC101448202; minus strand). Cytogenetic location: 9q34.3.
Variant type: Deletion.
Coding change: c.5377_5380del on transcript NM_000093.5 (MANE Select); coding-DNA positions 5377 to 5380, 4 bases deleted (AAAG; older notation c.5377_5380delAAAG).
Protein change: p.Lys1793fs; shifts the reading frame from lysine 1793.
Molecular consequence: frameshift variant.
Genome position (GRCh38, 1-based): chr9:134,842,163-134,842,166, AAAG deleted; deleting any 4 consecutive bases within chr9:134,842,160-134,842,166 gives the same sequence; the c. name uses the placement nearest the transcript's 3' end. VCF-style (leftmost placement, unchanged base first): chr9-134842159-CAAGA-C. GRCh37 (hg19) VCF-style: chr9-137734005-CAAGA-C.
Other names: c.5377_5380del, p.Lys1793fs (NM_001278074.1); short protein forms K1793fs.
Identifiers: ClinVar variation 969088 (VCV000969088.11), dbSNP rs1830124408, ClinGen allele CA1139661327.